The following is an entry in ClinVar:

ClinVar aggregate classification (germline): Conflicting classifications of pathogenicity. Review status: criteria provided, conflicting classifications (1 of 4 stars). 4 submissions from 4 submitters: Uncertain significance (2); Likely benign (2). Last evaluated 2025-12-29.

Conditions:
Multiple endocrine neoplasia, type 2 (MEN2). Identifiers: Orphanet 653, MedGen C4048306, MONDO:0019003. Disease mechanism: gain of function.
Multiple endocrine neoplasia type 2A. Also called: MULTIPLE ENDOCRINE NEOPLASIA, TYPE IIA; PTC SYNDROME; SIPPLE SYNDROME; MEN 2A; MEN-2A syndrome; Pheochromocytoma and amyloid producing medullary thyroid carcinoma. Identifiers: Orphanet 247698, Orphanet 653, MedGen C0025268, MeSH D018813, MONDO:0008234, OMIM 171400.
Hereditary cancer-predisposing syndrome. Also called: Neoplastic Syndromes, Hereditary; Hereditary Cancer Syndrome; Tumor predisposition; Hereditary neoplastic syndrome. Identifiers: Orphanet 140162, MedGen C0027672, MeSH D009386, MONDO:0015356.

Submissions (4):

Center for Genomic Medicine, Rigshospitalet, Copenhagen University Hospital
Classification: Uncertain significance. Last evaluated: 2025-12-29. Review status: criteria provided, single submitter. Criteria: ACMG Guidelines, 2015. Collection method: clinical testing. Allele origin: germline.

Ambry Genetics
Classification: Likely benign for Hereditary cancer-predisposing syndrome. Last evaluated: 2024-11-09. Review status: criteria provided, single submitter. Criteria: Ambry Variant Classification Scheme 2023. Collection method: clinical testing. Allele origin: germline.

Labcorp Genetics (formerly Invitae), Labcorp
Classification: Uncertain significance for Multiple endocrine neoplasia, type 2. Last evaluated: 2024-05-23. Review status: criteria provided, single submitter. Criteria: Invitae Variant Classification Sherloc (09022015). Collection method: clinical testing. Allele origin: germline.
Comment: This variant, c.56_58del, results in the deletion of 1 amino acid(s) of the RET protein (p.Leu19del), but otherwise preserves the integrity of the reading frame. The frequency data for this variant in the population databases is considered unreliable, as metrics indicate poor data quality at this position in the gnomAD database. This variant has been observed in individual(s) with medullary thyroid carcinoma (PMID: 33827484). ClinVar contains an entry for this variant (Variation ID: 543749). Experimental studies and prediction algorithms are not available or were not evaluated, and the functional significance of this variant is currently unknown. In summary, the available evidence is currently insufficient to determine the role of this variant in disease. Therefore, it has been classified as a Variant of Uncertain Significance.

Mendelics
Classification: Likely benign for Multiple endocrine neoplasia type 2A. Last evaluated: 2019-05-28. Review status: criteria provided, single submitter. Criteria: Mendelics Assertion Criteria 2017. Collection method: clinical testing. Allele origin: unknown.

Literature cited by the submitters: PubMed 33827484 (cited by Labcorp Genetics (formerly Invitae), Labcorp).

NM_020975.6(RET):c.44TGC[4] (p.Leu19del)

Gene: RET (ret proto-oncogene; plus strand). Cytogenetic location: 10q11.21.
Variant type: Microsatellite.
Coding change: c.44TGC[4] on transcript NM_020975.6 (MANE Select); four copies in a row of the 3-base unit TGC starting at c.44; the reference has five copies in a row; one copy, 3 bases deleted; also written c.56_58del.
Protein change: p.Leu19del; deletes leucine 19.
Molecular consequence: inframe deletion. On other transcripts: inframe indel (44).
Genome position (GRCh38, 1-based): chr10:43,077,314-43,077,316, TGC deleted; deleting any 3 consecutive bases within chr10:43,077,302-43,077,316 gives the same sequence; the position shown is the placement nearest the transcript's 3' end. VCF-style (leftmost placement, unchanged base first): chr10-43077301-TTGC-T. GRCh37 (hg19) VCF-style: chr10-43572749-TTGC-T.
Other names: c.56_58delTGC (NM_020975.4, NM_020975.6); c.56_58del (NM_020975.4); c.44_46TGC[4], p.Leu19del (NM_000323.2, NM_001406743.1, NM_001406744.1 and 39 more transcripts); short protein forms L19del.
Identifiers: ClinVar variation 543749 (VCV000543749.17), dbSNP rs768132465, ClinGen allele CA043719.